The following is an entry in ClinVar:

ClinVar aggregate classification (germline): Uncertain significance (1 of 4 stars; one submission).

Conditions:
Dyskeratosis congenita, autosomal dominant 6 (DKCA6). Identifiers: Orphanet 3322, MedGen C4225284, MONDO:0014690, OMIM 616553.

gnomAD v4.1: 3 of 1,576,120 alleles (0.00019%); highest among the groups gnomAD compares: Non-Finnish European, 0.00026%; no homozygotes.

Submission:

Labcorp Genetics (formerly Invitae), Labcorp
Classification: Uncertain significance for Dyskeratosis congenita, autosomal dominant 6. Last evaluated: 2025-10-21. Review status: criteria provided, single submitter. Criteria: Invitae Variant Classification Sherloc (09022015). Collection method: clinical testing. Allele origin: germline.
Comment: This sequence change replaces proline, which is neutral and non-polar, with arginine, which is basic and polar, at codon 342 of the ACD protein (p.Pro342Arg). This variant is not present in population databases (gnomAD no frequency). This variant has not been reported in the literature in individuals affected with ACD-related conditions. ClinVar contains an entry for this variant (Variation ID: 3017963). Invitae Evidence Modeling of protein sequence and biophysical properties (such as structural, functional, and spatial information, amino acid conservation, physicochemical variation, residue mobility, and thermodynamic stability) has been performed for this missense variant. However, the output from this modeling did not meet the statistical confidence thresholds required to predict the impact of this variant on ACD protein function. In summary, the available evidence is currently insufficient to determine the role of this variant in disease. Therefore, it has been classified as a Variant of Uncertain Significance.

NM_001082486.2(ACD):c.767C>G (p.Pro256Arg)

Gene: ACD (ACD shelterin complex subunit and telomerase recruitment factor; minus strand). Cytogenetic location: 16q22.1.
Variant type: single nucleotide variant.
Coding change: c.767C>G on transcript NM_001082486.2 (MANE Select); coding-DNA position 767, C replaced by G.
Protein change: p.Pro256Arg; replaces proline 256 with arginine.
Molecular consequence: missense variant. On other transcripts: intron variant (1).
Genome position (GRCh38, 1-based): chr16:67,658,617, G>C on the plus strand (C>G on the coding strand, the complement: ACD is on the minus strand). VCF-style: chr16-67658617-G-C. GRCh37 (hg19) VCF-style: chr16-67692520-G-C.
Other names: c.758C>G, p.Pro253Arg (NM_022914.3); c.742+103C>G (NM_001410884.1); short protein forms P253R, P256R.
Identifiers: ClinVar variation 3017963 (VCV003017963.3), dbSNP rs754631809, ClinGen allele CA396353301.